The following is an entry in ClinVar:

ClinVar aggregate classification (germline): Uncertain significance (1 of 4 stars; one submission).

Allele frequency attached by ClinVar (database versions not stated): TOPMed 0.00002; 1000 Genomes Project 30x 0.00016; 1000 Genomes Project 0.00020; gnomAD 0.00003; ExAC 0.00002.
gnomAD v4.1: 16 of 1,610,708 alleles (0.00099%); highest among the groups gnomAD compares: African/African-American, 0.0093%; no homozygotes.

Submission:

Labcorp Genetics (formerly Invitae), Labcorp
Classification: Uncertain significance. Last evaluated: 2022-10-04. Review status: criteria provided, single submitter. Criteria: Invitae Variant Classification Sherloc (09022015). Collection method: clinical testing. Allele origin: germline.
Comment: This sequence change replaces alanine, which is neutral and non-polar, with threonine, which is neutral and polar, at codon 309 of the DSCAML1 protein (p.Ala309Thr). This variant is present in population databases (rs529794656, gnomAD 0.01%). This missense change has been observed in individual(s) with inherited retinal disease (PMID: 29320387). Algorithms developed to predict the effect of missense changes on protein structure and function are either unavailable or do not agree on the potential impact of this missense change (SIFT: "Deleterious"; PolyPhen-2: "Probably Damaging"; Align-GVGD: "Class C0"). In summary, the available evidence is currently insufficient to determine the role of this variant in disease. Therefore, it has been classified as a Variant of Uncertain Significance.

Literature cited by the submitters: PubMed 29320387.

NM_020693.4(DSCAML1):c.745G>A (p.Ala249Thr)

Gene: DSCAML1 (DS cell adhesion molecule like 1; minus strand). Cytogenetic location: 11q23.3.
Variant type: single nucleotide variant.
Coding change: c.745G>A on transcript NM_020693.4 (MANE Select); coding-DNA position 745, G replaced by A.
Protein change: p.Ala249Thr; replaces alanine 249 with threonine.
Molecular consequence: missense variant.
Genome position (GRCh38, 1-based): chr11:117,524,997, C>T on the plus strand (G>A on the coding strand, the complement: DSCAML1 is on the minus strand). VCF-style: chr11-117524997-C-T. GRCh37 (hg19) VCF-style: chr11-117395712-C-T.
Other names: c.745G>A, p.Ala249Thr (NM_001367904.1); c.337G>A, p.Ala113Thr (NM_001367905.1); short protein forms A113T, A249T.
Identifiers: ClinVar variation 2055686 (VCV002055686.4), dbSNP rs529794656, ClinGen allele CA6297460.